The following is an entry in ClinVar:

ClinVar aggregate classification (germline): Uncertain significance. Review status: criteria provided, multiple submitters, no conflicts (2 of 4 stars). 2 submissions from 2 submitters: Uncertain significance (2). Last evaluated 2026-08-13.

Conditions:
Long QT syndrome (LQTS). Identifiers: MedGen C0023976, MeSH D008133, MONDO:0002442. Disease mechanism: loss of function. Inheritance: Various modes of inheritance.
Cardiovascular phenotype. Identifiers: MedGen CN230736.

Submissions (2):

Ambry Genetics
Classification: Uncertain significance for Cardiovascular phenotype. Last evaluated: 2026-08-13. Review status: criteria provided, single submitter. Criteria: Ambry Variant Classification Scheme 2023. Collection method: clinical testing. Allele origin: germline.
Comment: The c.1783-3C>T intronic variant results from a C to T substitution 3 nucleotides upstream from coding exon 17 in the ANK2 gene. This nucleotide position is highly conserved in available vertebrate species. In silico splice site analysis for this alteration is inconclusive. Based on the available evidence, the clinical significance of this variant remains unclear.

Labcorp Genetics (formerly Invitae), Labcorp
Classification: Uncertain significance for Long QT syndrome. Last evaluated: 2025-04-19. Review status: criteria provided, single submitter. Criteria: Invitae Variant Classification Sherloc (09022015). Collection method: clinical testing. Allele origin: germline.
Comment: This sequence change falls in intron 16 of the ANK2 gene. It does not directly change the encoded amino acid sequence of the ANK2 protein. It affects a nucleotide within the consensus splice site. This variant is not present in population databases (gnomAD no frequency). This variant has not been reported in the literature in individuals affected with ANK2-related conditions. ClinVar contains an entry for this variant (Variation ID: 519445). Variants that disrupt the consensus splice site are a relatively common cause of aberrant splicing (PMID: 17576681, 9536098). Algorithms developed to predict the effect of sequence changes on RNA splicing suggest that this variant may disrupt the consensus splice site. In summary, the available evidence is currently insufficient to determine the role of this variant in disease. Therefore, it has been classified as a Variant of Uncertain Significance.

Literature cited by the submitters: PubMed 17576681 (cited by Labcorp Genetics (formerly Invitae), Labcorp); PubMed 9536098 (cited by Labcorp Genetics (formerly Invitae), Labcorp).

NM_001148.6(ANK2):c.1783-3C>T

Gene: ANK2 (ankyrin 2; plus strand). Cytogenetic location: 4q26.
Variant type: single nucleotide variant.
Coding change: c.1783-3C>T on transcript NM_001148.6 (MANE Select); 3 bases into the intron before coding-DNA position 1783, C replaced by T.
Molecular consequence: intron variant.
Genome position (GRCh38, 1-based): chr4:113,278,457, C>T. VCF-style: chr4-113278457-C-T. GRCh37 (hg19) VCF-style: chr4-114199613-C-T.
Other names: c.1771-3C>T (NM_001386186.2, NM_001386148.2); c.1573-3C>T (NM_001354269.3); c.1747-3C>T (NM_001386187.2); c.1741-3C>T (NM_001386147.1, NM_001386160.1, NM_001354261.2); c.1720-3C>T (NM_001354254.2, NM_001354239.2, NM_001354252.2 and 10 more transcripts); c.1719+522C>T (NM_001354253.2, NM_001354270.2, NM_001354257.2 and 1 more transcripts); c.1696-3C>T (NM_001354249.2, NM_001354266.2, NM_001354276.2 and 10 more transcripts); c.1695+522C>T (NM_001386151.1, NM_001354260.2, NM_001354271.2); and 8 more.
Identifiers: ClinVar variation 519445 (VCV000519445.7), dbSNP rs1554403492, ClinGen allele CA658796461.